The following is an entry in ClinVar:

ClinVar aggregate classification (germline): Uncertain significance (1 of 4 stars; one submission).

Conditions:
Singleton-Merten syndrome 1 (SGMRT1). Also called: Widened medullary cavities of bone, aortic calcification, abnormal dentition, and muscular weakness; Syndrome of widened medullary cavities of the metacarpals and phalanges, aortic calcification and abnormal dentition. Identifiers: Orphanet 85191, MedGen C4225427, MONDO:0024535, OMIM 182250.
Aicardi-Goutieres syndrome 7 (AGS7). Identifiers: Orphanet 51, MedGen C3888244, MONDO:0014367, OMIM 615846.

Allele frequency attached by ClinVar (database versions not stated): TOPMed below 0.00001.
gnomAD v4.1: 1 of 1,613,510 alleles (0.000062%); highest among the groups gnomAD compares: Non-Finnish European, 0.000085%; no homozygotes.

Submission:

Labcorp Genetics (formerly Invitae), Labcorp
Classification: Uncertain significance for Aicardi-Goutieres syndrome 7; Singleton-Merten syndrome 1. Last evaluated: 2023-12-02. Review status: criteria provided, single submitter. Criteria: Invitae Variant Classification Sherloc (09022015). Collection method: clinical testing. Allele origin: germline.
Comment: This sequence change replaces methionine, which is neutral and non-polar, with isoleucine, which is neutral and non-polar, at codon 709 of the IFIH1 protein (p.Met709Ile). This variant is not present in population databases (gnomAD no frequency). This variant has not been reported in the literature in individuals affected with IFIH1-related conditions. Advanced modeling of protein sequence and biophysical properties (such as structural, functional, and spatial information, amino acid conservation, physicochemical variation, residue mobility, and thermodynamic stability) has been performed at Invitae for this missense variant, however the output from this modeling did not meet the statistical confidence thresholds required to predict the impact of this variant on IFIH1 protein function. In summary, the available evidence is currently insufficient to determine the role of this variant in disease. Therefore, it has been classified as a Variant of Uncertain Significance.

NM_022168.4(IFIH1):c.2127G>A (p.Met709Ile)

Gene: IFIH1 (interferon induced with helicase C domain 1; minus strand). Cytogenetic location: 2q24.2.
Variant type: single nucleotide variant.
Coding change: c.2127G>A on transcript NM_022168.4 (MANE Select); coding-DNA position 2127, G replaced by A.
Protein change: p.Met709Ile; replaces methionine 709 with isoleucine.
Molecular consequence: missense variant.
Genome position (GRCh38, 1-based): chr2:162,276,864, C>T on the plus strand (G>A on the coding strand, the complement: IFIH1 is on the minus strand). VCF-style: chr2-162276864-C-T. GRCh37 (hg19) VCF-style: chr2-163133374-C-T.
Other names: short protein forms M709I.
Identifiers: ClinVar variation 2938297 (VCV002938297.3), dbSNP rs1682678762, ClinGen allele CA348997529.